The following is an entry in ClinVar:

ClinVar aggregate classification (germline): Pathogenic. Review status: criteria provided, multiple submitters, no conflicts (2 of 4 stars). 2 submissions from 2 submitters: Pathogenic (2). Last evaluated 2024-12-31.

Conditions:
Familial cancer of breast. Also called: hereditary breast carcinoma; Hereditary breast cancer; BREAST CANCER, FAMILIAL. Identifiers: Orphanet 227535, MedGen C0346153, MONDO:0016419, OMIM 114480. Disease mechanism: loss of function.

Submissions (2):

Myriad Genetics, Inc.
Classification: Pathogenic for Familial cancer of breast. Last evaluated: 2024-12-31. Review status: criteria provided, single submitter. Criteria: Myriad Autosomal Dominant, Autosomal Recessive and X-Linked Classification Criteria (2023). Collection method: clinical testing. Allele origin: unknown.
Comment: This variant is considered pathogenic. This variant creates a frameshift predicted to result in premature protein truncation.

Labcorp Genetics (formerly Invitae), Labcorp
Classification: Pathogenic for Familial cancer of breast. Last evaluated: 2020-07-01. Review status: criteria provided, single submitter. Criteria: Invitae Variant Classification Sherloc (09022015). Collection method: clinical testing. Allele origin: germline.
Comment: This sequence change creates a premature translational stop signal (p.Tyr409Ilefs*16) in the PALB2 gene. It is expected to result in an absent or disrupted protein product. This variant is not present in population databases (ExAC no frequency). This variant has not been reported in the literature in individuals with PALB2-related conditions. Loss-of-function variants in PALB2 are known to be pathogenic (PMID: 17200668, 24136930, 25099575). For these reasons, this variant has been classified as Pathogenic.

Literature cited by the submitters: PubMed 17200668 (cited by Labcorp Genetics (formerly Invitae), Labcorp); PubMed 24136930 (cited by Labcorp Genetics (formerly Invitae), Labcorp); PubMed 25099575 (cited by Labcorp Genetics (formerly Invitae), Labcorp).

NM_024675.4(PALB2):c.1223_1224dup (p.Tyr409fs)

Gene: PALB2 (partner and localizer of BRCA2; minus strand). Cytogenetic location: 16p12.2.
Variant type: Microsatellite.
Coding change: c.1223_1224dup on transcript NM_024675.4 (MANE Select); coding-DNA positions 1223 to 1224, 2 bases duplicated (AT; older notation c.1223_1224dupAT).
Protein change: p.Tyr409fs; shifts the reading frame from tyrosine 409.
Molecular consequence: frameshift variant.
Genome position (GRCh38, 1-based): chr16:23,635,322-23,635,323, AT duplicated on the plus strand (AT on the coding strand, the reverse complement: PALB2 is on the minus strand); duplicating any 2 consecutive bases within chr16:23,635,322-23,635,325 gives the same sequence; the c. name uses the placement nearest the transcript's 3' end. VCF-style (leftmost placement, unchanged base first): chr16-23635321-A-AAT. GRCh37 (hg19) VCF-style: chr16-23646642-A-AAT.
Other names: short protein forms Y409fs.
Identifiers: ClinVar variation 1076874 (VCV001076874.9), dbSNP rs2142422279, ClinGen allele CA2580612750.
Genomic context (GRCh38, chr16:23,635,321, plus strand): 5'-TGACAGCCTCCACGGCTACTTTCCTCTGGCAATTGGACATGCTTCGTGTTGTTCTAACAT[A>AAT]ATATTCTGCAGGAAACAGAAGGCCTTCAGGCACTGTGCAAGAATGTTTTTCTGCAGAAAG-3'